The following is an entry in ClinVar:

NM_183357.3(ADCY5):c.1219G>A (p.Ala407Thr)

Gene: ADCY5 (adenylate cyclase 5; minus strand). Cytogenetic location: 3q21.1.
Variant type: single nucleotide variant.
Coding change: c.1219G>A on transcript NM_183357.3 (MANE Select); coding-DNA position 1219, G replaced by A.
Protein change: p.Ala407Thr; replaces alanine 407 with threonine.
Molecular consequence: missense variant.
Genome position (GRCh38, 1-based): chr3:123,352,497, C>T on the plus strand (G>A on the coding strand, the complement: ADCY5 is on the minus strand). VCF-style: chr3-123352497-C-T. GRCh37 (hg19) VCF-style: chr3-123071344-C-T.
Other names: c.169G>A, p.Ala57Thr (NM_001199642.1); c.1219G>A, p.Ala407Thr (NM_001378259.1); short protein forms A407T, A57T.
Identifiers: ClinVar variation 450802 (VCV000450802.2), dbSNP rs1273262395, ClinGen allele CA354222626.

ClinVar aggregate classification (germline): Uncertain significance (1 of 4 stars; one submission).

Submission:

GeneDx
Classification: Uncertain significance. Last evaluated: 2017-08-03. Review status: criteria provided, single submitter. Criteria: GeneDx Variant Classification (06012015). Collection method: clinical testing. Allele origin: germline. Affected: yes.
Comment: The A407T variant in the ADCY5 gene has not been reported previously as a pathogenic variant, nor as a benign variant, to our knowledge. The A407T variant is not observed in large population cohorts (Lek et al., 2016; 1000 Genomes Consortium et al., 2015; Exome Variant Server). The A407T variant is a non-conservative amino acid substitution, which is likely to impact secondary protein structure as these residues differ in polarity, charge, size and/or other properties. This substitution occurs at a position that is conserved across species, and in silico analysis predicts this variant is probably damaging to the protein structure/function. We interpret A407T as a variant of uncertain significance.